The following is an entry in ClinVar:

ClinVar aggregate classification (germline): Likely pathogenic (1 of 4 stars; one submission).

Conditions:
Glycogen phosphorylase kinase deficiency. Also called: Phosphorylase Kinase Deficiency; Glycogen Storage Disease Type IX. Identifiers: Orphanet 370, MedGen C0268147, MONDO:0700291.

Submission:

Women's Health and Genetics/Laboratory Corporation of America, LabCorp
Classification: Likely pathogenic for Glycogen phosphorylase kinase deficiency. Last evaluated: 2023-12-15. Review status: criteria provided, single submitter. Criteria: LabCorp Variant Classification Summary - May 2015. Collection method: clinical testing. Allele origin: germline.
Comment: Variant summary: The variant involves the deletion of exons 30-31 and a part of exon 32 (i.e. the last exon) in the PHKA1 gene. As it encompasses the last exons, it is predicted to escape nonsense mediated decay (NMD). A presumed nomenclature of c.(3243+1_3244-1)_3598del has been designated for the purposes of this classification. This variant is expected to result in a large deletion change in the PHKA1 gene, removing part of the C-terminal domain (IPR045583) of the encoded protein. The variant was absent in 16120 control chromosomes in the gnomAD database (Structural Variants v2.1 dataset). To our knowledge, no occurrence of c.(3243+1_3244-1)_3598del in individuals affected with Glycogen Phosphorylase Kinase Deficiency and no experimental evidence demonstrating its impact on protein function have been reported. However, multiple variants have been reported in the deleted region in affected individuals (HGMD), which might indicate a functional importance for the deleted protein region. No submitters have cited clinical-significance assessments for this variant to ClinVar after 2014. Based on the evidence outlined above, the variant was classified as likely pathogenic.

NC_000023.10:g.71800926_(71804153_71812953)del

Gene: PHKA1 (phosphorylase kinase regulatory subunit alpha 1; minus strand).
Variant type: Deletion.
Identifiers: ClinVar variation 2691280 (VCV002691280.1).